The following is an entry in ClinVar:

ClinVar aggregate classification (germline): Uncertain significance (1 of 4 stars; one submission).

Conditions:
Cardiovascular phenotype. Identifiers: MedGen CN230736.
Hereditary cancer-predisposing syndrome. Also called: Tumor predisposition; Hereditary neoplastic syndrome; Neoplastic Syndromes, Hereditary; Hereditary Cancer Syndrome. Identifiers: Orphanet 140162, MedGen C0027672, MeSH D009386, MONDO:0015356.

Submission:

Ambry Genetics
Classification: Uncertain significance for Cardiovascular phenotype; Hereditary cancer-predisposing syndrome. Last evaluated: 2025-04-28. Review status: criteria provided, single submitter. Criteria: Ambry Variant Classification Scheme 2023. Collection method: clinical testing. Allele origin: germline.
Comment: The p.R1937C variant (also known as c.5809C>T), located in coding exon 39 of the NF1 gene, results from a C to T substitution at nucleotide position 5809. The arginine at codon 1937 is replaced by cysteine, an amino acid with highly dissimilar properties. This amino acid position is conserved. In addition, this alteration is predicted to be deleterious by in silico analysis. Based on the available evidence, the clinical significance of this variant remains unclear.

NM_001042492.3(NF1):c.5872C>T (p.Arg1958Cys)

Gene: NF1 (neurofibromin 1; plus strand). Cytogenetic location: 17q11.2.
Variant type: single nucleotide variant.
Coding change: c.5872C>T on transcript NM_001042492.3 (MANE Select); coding-DNA position 5872, C replaced by T.
Protein change: p.Arg1958Cys; replaces arginine 1958 with cysteine.
Molecular consequence: missense variant.
Genome position (GRCh38, 1-based): chr17:31,334,897, C>T. VCF-style: chr17-31334897-C-T. GRCh37 (hg19) VCF-style: chr17-29661915-C-T.
Other names: c.5809C>T, p.Arg1937Cys (NM_000267.4); short protein forms R1958C, R1937C.
Identifiers: ClinVar variation 4025252 (VCV004025252.1).